The following is an entry in ClinVar:

ClinVar aggregate classification (germline): Pathogenic (1 of 4 stars; one submission).

Conditions:
Neuronal ceroid lipofuscinosis 1 (CLN1). Also called: CEROID LIPOFUSCINOSIS, NEURONAL, 1, VARIABLE AGE AT ONSET; PPT1-Related Neuronal Ceroid-Lipofuscinosis. Identifiers: Orphanet 228329, MedGen C1850451, MONDO:0009744, OMIM 256730.

Submission:

Labcorp Genetics (formerly Invitae), Labcorp
Classification: Pathogenic for Neuronal ceroid lipofuscinosis 1. Last evaluated: 2023-11-15. Review status: criteria provided, single submitter. Criteria: Invitae Variant Classification Sherloc (09022015). Collection method: clinical testing. Allele origin: germline.
Comment: This sequence change creates a premature translational stop signal (p.Cys160*) in the PPT1 gene. It is expected to result in an absent or disrupted protein product. Loss-of-function variants in PPT1 are known to be pathogenic (PMID: 10679943, 21990111). This variant is not present in population databases (gnomAD no frequency). This variant has not been reported in the literature in individuals affected with PPT1-related conditions. For these reasons, this variant has been classified as Pathogenic.

Literature cited by the submitters: PubMed 10679943; PubMed 21990111.

NM_000310.4(PPT1):c.480_481del (p.Cys160_Asp161delinsTer)

Gene: PPT1 (palmitoyl-protein thioesterase 1; minus strand). Cytogenetic location: 1p34.2.
Variant type: Microsatellite.
Coding change: c.480_481del on transcript NM_000310.4 (MANE Select); coding-DNA positions 480 to 481, 2 bases deleted (TG; older notation c.480_481delTG).
Protein change: p.Cys160_Asp161delinsTer.
Molecular consequence: nonsense.
Genome position (GRCh38, 1-based): chr1:40,089,465-40,089,466, CA deleted on the plus strand (TG on the coding strand, the reverse complement: PPT1 is on the minus strand); deleting any 2 consecutive bases within chr1:40,089,465-40,089,468 gives the same sequence; the c. name uses the placement nearest the transcript's 3' end. VCF-style (leftmost placement, unchanged base first): chr1-40089464-TCA-T. GRCh37 (hg19) VCF-style: chr1-40555136-TCA-T.
Other names: c.171_172del, p.Cys57_Asp58delinsTer (NM_001142604.2); c.480_481del, p.Cys160_Asp161delinsTer (NM_001363695.2).
Identifiers: ClinVar variation 2822373 (VCV002822373.3), dbSNP rs2523675546, ClinGen allele CA2645091892.